The following is an entry in ClinVar:

NM_015450.3(POT1):c.415T>G (p.Trp139Gly)

Gene: POT1 (protection of telomeres 1; minus strand). Cytogenetic location: 7q31.33.
Variant type: single nucleotide variant.
Coding change: c.415T>G on transcript NM_015450.3 (MANE Select); coding-DNA position 415, T replaced by G.
Protein change: p.Trp139Gly; replaces tryptophan 139 with glycine.
Molecular consequence: missense variant. On other transcripts: non-coding transcript variant (3).
Genome position (GRCh38, 1-based): chr7:124,863,481, A>C on the plus strand (T>G on the coding strand, the complement: POT1 is on the minus strand). VCF-style: chr7-124863481-A-C. GRCh37 (hg19) VCF-style: chr7-124503535-A-C.
Other names: c.22T>G, p.Trp8Gly (NM_001042594.2); short protein forms W8G, W139G.
Identifiers: ClinVar variation 1738338 (VCV001738338.3), dbSNP rs2485480324, ClinGen allele CA369059486.
Genomic context (GRCh38, chr7:124,863,481, plus strand): 5'-TTGGCTGAACATCACACAATTTTAGTAATGTCCAAGACGGTGACATATGAGTAGATGCCC[A>C]AACACGTAAGGCTTCTACCATTTTGTGGTCCTCAGTAGTGAAGTTAAAATACTTGCTTGA-3'
Protein context (NP_056265.2, residues 129-149): DHKMVEALRV[Trp139Gly]ASTHMSPSWT

ClinVar aggregate classification (germline): Uncertain significance (1 of 4 stars; one submission).

Conditions:
Hereditary cancer-predisposing syndrome. Also called: Hereditary Cancer Syndrome; Hereditary neoplastic syndrome; Neoplastic Syndromes, Hereditary; Tumor predisposition. Identifiers: Orphanet 140162, MedGen C0027672, MeSH D009386, MONDO:0015356.

Submission:

Ambry Genetics
Classification: Uncertain significance for Hereditary cancer-predisposing syndrome. Last evaluated: 2024-10-30. Review status: criteria provided, single submitter. Criteria: Ambry Variant Classification Scheme 2023. Collection method: clinical testing. Allele origin: germline.
Comment: The p.W139G variant (also known as c.415T>G), located in coding exon 4 of the POT1 gene, results from a T to G substitution at nucleotide position 415. The tryptophan at codon 139 is replaced by glycine, an amino acid with highly dissimilar properties. This amino acid position is highly conserved in available vertebrate species. In addition, this alteration is predicted to be deleterious by in silico analysis. Based on the available evidence, the clinical significance of this variant remains unclear.